The following is an entry in ClinVar:

ClinVar aggregate classification (germline): Conflicting classifications of pathogenicity. Review status: criteria provided, conflicting classifications (1 of 4 stars). 2 submissions from 2 submitters: Uncertain significance (1); Likely benign (1). Last evaluated 2026-04-01.

gnomAD v4.1: 780 of 1,613,080 alleles (0.048%); highest among the groups gnomAD compares: African/African-American, 0.91%; 18 homozygotes.

Submissions (2):

CeGaT Center for Human Genetics Tuebingen
Classification: Likely benign. Last evaluated: 2026-04-01. Review status: criteria provided, single submitter. Criteria: CeGaT Center For Human Genetics Tuebingen Variant Classification Criteria Version 2. Collection method: clinical testing. Allele origin: germline. Affected: yes. Observed: 1 variant allele.
Comment: AHNAK2: BP4, BS2

Ambry Genetics
Classification: Uncertain significance. Last evaluated: 2025-08-10. Review status: criteria provided, single submitter. Criteria: Ambry Variant Classification Scheme 2023. Collection method: clinical testing. Allele origin: germline.

NM_138420.4(AHNAK2):c.10381C>G (p.Leu3461Val)

Gene: AHNAK2 (AHNAK nucleoprotein 2; minus strand). Cytogenetic location: 14q32.33.
Variant type: single nucleotide variant.
Coding change: c.10381C>G on transcript NM_138420.4 (MANE Select); coding-DNA position 10381, C replaced by G.
Protein change: p.Leu3461Val; replaces leucine 3461 with valine.
Molecular consequence: missense variant.
Genome position (GRCh38, 1-based): chr14:104,945,070, G>C on the plus strand (C>G on the coding strand, the complement: AHNAK2 is on the minus strand). VCF-style: chr14-104945070-G-C. GRCh37 (hg19) VCF-style: chr14-105411407-G-C.
Other names: c.10081C>G, p.Leu3361Val (NM_001350929.2); short protein forms L3361V, L3461V.
Identifiers: ClinVar variation 4256340 (VCV004256340.3).